The following is an entry in ClinVar:

NC_000006.11:g.(?_123573537)_(123595835_?)del

Gene: TRDN (triadin; minus strand). Cytogenetic location: 6q22.31.
Variant type: Deletion.
Identifiers: ClinVar variation 1448624 (VCV001448624.45).

ClinVar aggregate classification (germline): Uncertain significance (1 of 4 stars; one submission).

Conditions:
Catecholaminergic polymorphic ventricular tachycardia 1. Also called: VENTRICULAR TACHYCARDIA, STRESS-INDUCED POLYMORPHIC 1; VENTRICULAR TACHYCARDIA, CATECHOLAMINERGIC POLYMORPHIC, 1, WITH OR WITHOUT ATRIAL DYSFUNCTION AND/OR DILATED CARDIOMYOPATHY; RYR2-Related Catecholaminergic Polymorphic Ventricular Tachycardia. Identifiers: Orphanet 3286, MedGen C1631597, MONDO:0011484, OMIM 604772.

Submission:

Labcorp Genetics (formerly Invitae), Labcorp
Classification: Uncertain significance for Catecholaminergic polymorphic ventricular tachycardia 1. Last evaluated: 2022-05-12. Review status: criteria provided, single submitter. Criteria: Invitae Variant Classification Sherloc (09022015). Collection method: clinical testing. Allele origin: germline.
Comment: In summary, the available evidence is currently insufficient to determine the role of this variant in disease. Therefore, it has been classified as a Variant of Uncertain Significance. Experimental studies and prediction algorithms are not available or were not evaluated, and the functional significance of this variant is currently unknown. This variant has not been reported in the literature in individuals affected with TRDN-related conditions. This variant is a gross deletion of the genomic region encompassing exon(s) 27-38 of the TRDN gene. However, it is currently unclear if variants that occur in this region of the gene cause disease.